The following is an entry in ClinVar:

ClinVar aggregate classification (germline): Uncertain significance (1 of 4 stars; one submission).

Allele frequency attached by ClinVar (database versions not stated): gnomAD exomes below 0.00001; gnomAD 0.00001; TOPMed 0.00002.
gnomAD v4.1: 3 of 1,205,944 alleles (0.00025%); highest among the groups gnomAD compares: African/African-American, 0.0018%; no homozygotes.

Submission:

Labcorp Genetics (formerly Invitae), Labcorp
Classification: Uncertain significance. Last evaluated: 2024-02-12. Review status: criteria provided, single submitter. Criteria: Invitae Variant Classification Sherloc (09022015). Collection method: clinical testing. Allele origin: germline.
Comment: This sequence change replaces asparagine, which is neutral and polar, with serine, which is neutral and polar, at codon 1547 of the CACNA1F protein (p.Asn1547Ser). This variant is not present in population databases (gnomAD no frequency). This variant has not been reported in the literature in individuals affected with CACNA1F-related conditions. ClinVar contains an entry for this variant (Variation ID: 1524576). Advanced modeling of protein sequence and biophysical properties (such as structural, functional, and spatial information, amino acid conservation, physicochemical variation, residue mobility, and thermodynamic stability) performed at Invitae indicates that this missense variant is expected to disrupt CACNA1F protein function with a positive predictive value of 80%. In summary, the available evidence is currently insufficient to determine the role of this variant in disease. Therefore, it has been classified as a Variant of Uncertain Significance.

NM_001256789.3(CACNA1F):c.4607A>G (p.Asn1536Ser)

Genes: CACNA1F (calcium voltage-gated channel subunit alpha1 F; minus strand), LOC126863257 (BRD4-independent group 4 enhancer GRCh37_chrX:49065732-49066931; plus strand). Cytogenetic location: Xp11.23.
Variant type: single nucleotide variant.
Coding change: c.4607A>G on transcript NM_001256789.3 (MANE Select); coding-DNA position 4607, A replaced by G.
Protein change: p.Asn1536Ser; replaces asparagine 1536 with serine.
Molecular consequence: missense variant.
Genome position (GRCh38, 1-based): chrX:49,210,024, T>C on the plus strand (A>G on the coding strand, the complement: CACNA1F is on the minus strand). VCF-style: chrX-49210024-T-C. GRCh37 (hg19) VCF-style: chrX-49066484-T-C.
Other names: c.4445A>G, p.Asn1482Ser (NM_001256790.3); c.4640A>G, p.Asn1547Ser (NM_005183.4); short protein forms N1536S, N1547S, N1482S.
Identifiers: ClinVar variation 1524576 (VCV001524576.8), dbSNP rs996550749, ClinGen allele CA329136916.